The following is an entry in ClinVar:

ClinVar aggregate classification (germline): Uncertain significance (1 of 4 stars; one submission).

Submission:

Labcorp Genetics (formerly Invitae), Labcorp
Classification: Uncertain significance. Last evaluated: 2025-08-09. Review status: criteria provided, single submitter. Criteria: Invitae Variant Classification Sherloc (09022015). Collection method: clinical testing. Allele origin: germline.
Comment: This sequence change replaces threonine, which is neutral and polar, with alanine, which is neutral and non-polar, at codon 83 of the PLA2G5 protein (p.Thr83Ala). This variant is not present in population databases (gnomAD no frequency). This variant has not been reported in the literature in individuals affected with PLA2G5-related conditions. An algorithm developed to predict the effect of missense changes on protein structure and function outputs the following: PolyPhen-2: "Benign". The alanine amino acid residue is found in multiple mammalian species, which suggests that this missense change does not adversely affect protein function. In summary, the available evidence is currently insufficient to determine the role of this variant in disease. Therefore, it has been classified as a Variant of Uncertain Significance.

NM_000929.3(PLA2G5):c.247A>G (p.Thr83Ala)

Gene: PLA2G5 (phospholipase A2 group V; plus strand). Cytogenetic location: 1p36.13.
Variant type: single nucleotide variant.
Coding change: c.247A>G on transcript NM_000929.3 (MANE Select); coding-DNA position 247, A replaced by G.
Protein change: p.Thr83Ala; replaces threonine 83 with alanine.
Molecular consequence: missense variant.
Genome position (GRCh38, 1-based): chr1:20,089,850, A>G. VCF-style: chr1-20089850-A-G. GRCh37 (hg19) VCF-style: chr1-20416343-A-G.
Other names: short protein forms T83A.
Identifiers: ClinVar variation 4767107 (VCV004767107.1).